The following is an entry in ClinVar:

ClinVar aggregate classification (germline): Uncertain significance (1 of 4 stars; one submission).

Submission:

GeneDx
Classification: Uncertain significance. Last evaluated: 2025-02-20. Review status: criteria provided, single submitter. Criteria: GeneDx Variant Classification Process June 2021. Collection method: clinical testing. Allele origin: germline. Affected: yes.
Comment: In silico analysis indicates that this missense variant does not alter protein structure/function; Not observed at significant frequency in large population cohorts (gnomAD); Has not been previously published as pathogenic or benign to our knowledge

NM_003611.3(OFD1):c.1808T>C (p.Met603Thr)

Gene: OFD1 (OFD1 centriole and centriolar satellite protein; plus strand). Cytogenetic location: Xp22.2.
Variant type: single nucleotide variant.
Coding change: c.1808T>C on transcript NM_003611.3 (MANE Select); coding-DNA position 1808, T replaced by C.
Protein change: p.Met603Thr; replaces methionine 603 with threonine.
Molecular consequence: missense variant.
Genome position (GRCh38, 1-based): chrX:13,760,268, T>C. VCF-style: chrX-13760268-T-C. GRCh37 (hg19) VCF-style: chrX-13778387-T-C.
Other names: c.1688T>C, p.Met563Thr (NM_001330209.2); c.1388T>C, p.Met463Thr (NM_001330210.2); short protein forms M463T, M563T, M603T.
Identifiers: ClinVar variation 3373112 (VCV003373112.2).